The following is an entry in ClinVar:

ClinVar aggregate classification (germline): Likely benign (1 of 4 stars; one submission).

Submission:

CeGaT Center for Human Genetics Tuebingen
Classification: Likely benign. Last evaluated: 2023-01-01. Review status: criteria provided, single submitter. Criteria: CeGaT Center For Human Genetics Tuebingen Variant Classification Criteria Version 2. Collection method: clinical testing. Allele origin: germline. Affected: yes. Observed: 1 variant allele.
Comment: GOLGA8Q: BS2

NC_000015.10:g.30522836T>G

Gene: GOLGA8Q (golgin A8 family member Q). Cytogenetic location: 15q13.2.
Variant type: single nucleotide variant.
Molecular consequence: synonymous variant (on NM_001365376.1).
Genome position: GRCh38 VCF-style: chr15-30522836-T-G. GRCh37 (hg19) VCF-style: chr15-30815039-T-G.
Other names: c.207A>C, p.Pro69= (NM_001365376.1).
Identifiers: ClinVar variation 2645105 (VCV002645105.24), dbSNP rs1218192247, ClinGen allele CA489313851.